The following is an entry in ClinVar:

ClinVar aggregate classification (germline): Uncertain significance. Review status: criteria provided, multiple submitters, no conflicts (2 of 4 stars). 3 submissions from 3 submitters: Uncertain significance (3). Last evaluated 2025-07-24.

Conditions:
PDE6B-related disorder. Also called: PDE6B-related disease; PDE6B-related condition; PDE6B-related disorders.

gnomAD v4.1: 30 of 1,585,672 alleles (0.0019%); highest among the groups gnomAD compares: Admixed American, 0.012%; no homozygotes.

Submissions (3):

PreventionGenetics, part of Exact Sciences
Classification: Uncertain significance for PDE6B-related condition. Last evaluated: 2025-07-24. Review status: criteria provided, single submitter. Criteria: ACMG Guidelines, 2015. Collection method: clinical testing. Allele origin: germline.
Comment: The PDE6B c.337G>A variant is predicted to result in the amino acid substitution p.Val113Met. To our knowledge, this variant has not been reported in the literature. This variant is reported in 0.017% of alleles in individuals of Latino descent in gnomAD. At this time, the clinical significance of this variant is uncertain due to the absence of conclusive functional and genetic evidence.

Labcorp Genetics (formerly Invitae), Labcorp
Classification: Uncertain significance. Last evaluated: 2024-11-05. Review status: criteria provided, single submitter. Criteria: Invitae Variant Classification Sherloc (09022015). Collection method: clinical testing. Allele origin: germline.
Comment: This sequence change replaces valine, which is neutral and non-polar, with methionine, which is neutral and non-polar, at codon 113 of the PDE6B protein (p.Val113Met). This variant is present in population databases (rs755871033, gnomAD 0.02%). This variant has not been reported in the literature in individuals affected with PDE6B-related conditions. Invitae Evidence Modeling of protein sequence and biophysical properties (such as structural, functional, and spatial information, amino acid conservation, physicochemical variation, residue mobility, and thermodynamic stability) indicates that this missense variant is expected to disrupt PDE6B protein function with a positive predictive value of 80%. In summary, the available evidence is currently insufficient to determine the role of this variant in disease. Therefore, it has been classified as a Variant of Uncertain Significance.

Blueprint Genetics
Classification: Uncertain significance. Last evaluated: 2022-09-29. Review status: criteria provided, single submitter. Criteria: ACMG Guidelines, 2015. Collection method: clinical testing. Allele origin: germline.

NM_000283.4(PDE6B):c.337G>A (p.Val113Met)

Gene: PDE6B (phosphodiesterase 6B; plus strand). Cytogenetic location: 4p16.3.
Variant type: single nucleotide variant.
Coding change: c.337G>A on transcript NM_000283.4 (MANE Select); coding-DNA position 337, G replaced by A.
Protein change: p.Val113Met; replaces valine 113 with methionine.
Molecular consequence: missense variant.
Genome position (GRCh38, 1-based): chr4:625,963, G>A. VCF-style: chr4-625963-G-A. GRCh37 (hg19) VCF-style: chr4-619752-G-A.
Other names: c.337G>A, p.Val113Met (NM_001145291.2); c.337G>A (NM_000283.3); short protein forms V113M.
Identifiers: ClinVar variation 3604796 (VCV003604796.4).